The following is an entry in ClinVar:

ClinVar aggregate classification (germline): Uncertain significance (1 of 4 stars; one submission).

Submission:

GeneDx
Classification: Uncertain significance. Last evaluated: 2020-01-13. Review status: criteria provided, single submitter. Criteria: GeneDx Variant Classification Process June 2021. Collection method: clinical testing. Allele origin: germline. Affected: yes.
Comment: Not observed in large population cohorts (Lek et al., 2016); In silico analysis, which includes protein predictors and evolutionary conservation, supports a deleterious effect; Has not been previously published as pathogenic or benign to our knowledge

NM_015295.3(SMCHD1):c.1291C>T (p.Pro431Ser)

Gene: SMCHD1 (structural maintenance of chromosomes flexible hinge domain containing 1; plus strand). Cytogenetic location: 18p11.32.
Variant type: single nucleotide variant.
Coding change: c.1291C>T on transcript NM_015295.3 (MANE Select); coding-DNA position 1291, C replaced by T.
Protein change: p.Pro431Ser; replaces proline 431 with serine.
Molecular consequence: missense variant.
Genome position (GRCh38, 1-based): chr18:2,697,990, C>T. VCF-style: chr18-2697990-C-T. GRCh37 (hg19) VCF-style: chr18-2697988-C-T.
Other names: short protein forms P431S.
Identifiers: ClinVar variation 1304238 (VCV001304238.2), dbSNP rs2143155206, ClinGen allele CA401697856.